The following is an entry in ClinVar:

NM_004168.4(SDHA):c.1451T>A (p.Ile484Asn)

Gene: SDHA (succinate dehydrogenase complex flavoprotein subunit A; plus strand). Cytogenetic location: 5p15.33.
Variant type: single nucleotide variant.
Coding change: c.1451T>A on transcript NM_004168.4 (MANE Select); coding-DNA position 1451, T replaced by A.
Protein change: p.Ile484Asn; replaces isoleucine 484 with asparagine.
Molecular consequence: missense variant.
Genome position (GRCh38, 1-based): chr5:240,376, T>A. VCF-style: chr5-240376-T-A. GRCh37 (hg19) VCF-style: chr5-240491-T-A.
Other names: c.1307T>A, p.Ile436Asn (NM_001294332.2); c.1451T>A, p.Ile484Asn (NM_001330758.2); short protein forms I436N, I484N.
Identifiers: ClinVar variation 4789762 (VCV004789762.1).
Genomic context (GRCh38, chr5:240,376, plus strand): 5'-AACGGTTTTCAAAAGTTAAATTCTAGCTTTTTTTTGTTTTAGGAGATAAAGTCCCTCCAA[T>A]TAAACCAAACGCTGGGGAAGAATCTGTCATGAATCTTGACAAATTGAGATTTGCTGATGG-3'
Protein context (NP_004159.2, residues 474-494): SCRPGDKVPP[Ile484Asn]KPNAGEESVM

ClinVar aggregate classification (germline): Uncertain significance (1 of 4 stars; one submission).

Conditions:
Mitochondrial complex II deficiency, nuclear type 1. Also called: SUCCINATE CoQ REDUCTASE DEFICIENCY. Identifiers: Orphanet 3208, MedGen C5700310, MONDO:0100294, OMIM 252011.
Pheochromocytoma/paraganglioma syndrome 5. Also called: Paragangliomas 5; SDHA-Related Hereditary Paraganglioma-Pheochromocytoma Syndrome. Identifiers: Orphanet 29072, MedGen C3279992, MONDO:0013602, OMIM 614165.

Submission:

Labcorp Genetics (formerly Invitae), Labcorp
Classification: Uncertain significance for Pheochromocytoma/paraganglioma syndrome 5; Mitochondrial complex II deficiency, nuclear type 1. Last evaluated: 2025-07-14. Review status: criteria provided, single submitter. Criteria: Invitae Variant Classification Sherloc (09022015). Collection method: clinical testing. Allele origin: germline.
Comment: This sequence change replaces isoleucine, which is neutral and non-polar, with asparagine, which is neutral and polar, at codon 484 of the SDHA protein (p.Ile484Asn). This variant is not present in population databases (gnomAD no frequency). This variant has not been reported in the literature in individuals affected with SDHA-related conditions. Invitae Evidence Modeling of protein sequence and biophysical properties (such as structural, functional, and spatial information, amino acid conservation, physicochemical variation, residue mobility, and thermodynamic stability) indicates that this missense variant is not expected to disrupt SDHA protein function with a negative predictive value of 95%. In summary, the available evidence is currently insufficient to determine the role of this variant in disease. Therefore, it has been classified as a Variant of Uncertain Significance.